The following is an entry in ClinVar:

NM_002528.7(NTHL1):c.792-7C>A

Gene: NTHL1 (nth like DNA glycosylase 1; minus strand). Cytogenetic location: 16p13.3.
Variant type: single nucleotide variant.
Coding change: c.792-7C>A on transcript NM_002528.7 (MANE Select); 7 bases into the intron before coding-DNA position 792, C replaced by A.
Molecular consequence: intron variant.
Genome position (GRCh38, 1-based): chr16:2,040,054, G>T on the plus strand (C>A on the coding strand, the complement: NTHL1 is on the minus strand). VCF-style: chr16-2040054-G-T. GRCh37 (hg19) VCF-style: chr16-2090055-G-T.
Other names: c.792-7C>A (LRG_1366t1); c.462-7C>A (NM_001318194.2); c.621-7C>A (NM_001318193.2).
Identifiers: ClinVar variation 650854 (VCV000650854.9), dbSNP rs1596216178, ClinGen allele CA915946189.

ClinVar aggregate classification (germline): Conflicting classifications of pathogenicity. Review status: criteria provided, conflicting classifications (1 of 4 stars). 2 submissions from 2 submitters: Uncertain significance (1); Likely benign (1). Last evaluated 2024-09-24.

Submissions (2):

Quest Diagnostics Nichols Institute San Juan Capistrano
Classification: Uncertain significance. Last evaluated: 2024-09-24. Review status: criteria provided, single submitter. Criteria: Quest Diagnostics criteria. Collection method: clinical testing. Allele origin: unknown.
Comment: The NTHL1 c.816-7C>A variant has not been reported in individuals with NTHL1-related conditions in the published literature. It also has not been reported in large, multi-ethnic general populations (Genome Aggregation Database). Analysis of this variant using software algorithms for the prediction of the effect of nucleotide changes on splicing yielded predictions that this variant may affect proper NTHL1 mRNA splicing. Based on the available information, we are unable to determine the clinical significance of this variant.

Labcorp Genetics (formerly Invitae), Labcorp
Classification: Likely benign. Last evaluated: 2023-03-11. Review status: criteria provided, single submitter. Criteria: Invitae Variant Classification Sherloc (09022015). Collection method: clinical testing. Allele origin: germline.